The following is an entry in ClinVar:

ClinVar aggregate classification (germline): Uncertain significance (1 of 4 stars; one submission).

Submission:

Labcorp Genetics (formerly Invitae), Labcorp
Classification: Uncertain significance. Last evaluated: 2024-07-08. Review status: criteria provided, single submitter. Criteria: Invitae Variant Classification Sherloc (09022015). Collection method: clinical testing. Allele origin: germline.
Comment: This sequence change replaces methionine, which is neutral and non-polar, with isoleucine, which is neutral and non-polar, at codon 131 of the TRPC3 protein (p.Met131Ile). This variant is not present in population databases (gnomAD no frequency). This variant has not been reported in the literature in individuals affected with TRPC3-related conditions. Advanced modeling of protein sequence and biophysical properties (such as structural, functional, and spatial information, amino acid conservation, physicochemical variation, residue mobility, and thermodynamic stability) performed at Invitae indicates that this missense variant is not expected to disrupt TRPC3 protein function with a negative predictive value of 80%. In summary, the available evidence is currently insufficient to determine the role of this variant in disease. Therefore, it has been classified as a Variant of Uncertain Significance.

NM_001130698.2(TRPC3):c.393G>A (p.Met131Ile)

Gene: TRPC3 (transient receptor potential cation channel subfamily C member 3; minus strand). Cytogenetic location: 4q27.
Variant type: single nucleotide variant.
Coding change: c.393G>A on transcript NM_001130698.2 (MANE Select); coding-DNA position 393, G replaced by A.
Protein change: p.Met131Ile; replaces methionine 131 with isoleucine.
Molecular consequence: missense variant.
Genome position (GRCh38, 1-based): chr4:121,932,865, C>T on the plus strand (G>A on the coding strand, the complement: TRPC3 is on the minus strand). VCF-style: chr4-121932865-C-T. GRCh37 (hg19) VCF-style: chr4-122854020-C-T.
Other names: c.393G>A, p.Met131Ile (NM_001366479.2); c.174G>A, p.Met58Ile (NM_003305.2); short protein forms M58I, M131I.
Identifiers: ClinVar variation 3717972 (VCV003717972.2).